The following is an entry in ClinVar:

NM_000466.3(PEX1):c.544C>T (p.Arg182Cys)

Gene: PEX1 (peroxisomal biogenesis factor 1; minus strand). Cytogenetic location: 7q21.2.
Variant type: single nucleotide variant.
Coding change: c.544C>T on transcript NM_000466.3 (MANE Select); coding-DNA position 544, C replaced by T.
Protein change: p.Arg182Cys; replaces arginine 182 with cysteine.
Molecular consequence: missense variant. On other transcripts: 5 prime UTR variant (1).
Genome position (GRCh38, 1-based): chr7:92,517,971, G>A on the plus strand (C>T on the coding strand, the complement: PEX1 is on the minus strand). VCF-style: chr7-92517971-G-A. GRCh37 (hg19) VCF-style: chr7-92147285-G-A.
Other names: c.544C>T, p.Arg182Cys (NM_001282677.2); c.-81C>T (NM_001282678.2); short protein forms R182C.
Identifiers: ClinVar variation 1023864 (VCV001023864.11), dbSNP rs771535312, ClinGen allele CA4341578.

ClinVar aggregate classification (germline): Uncertain significance. Review status: criteria provided, single submitter (1 of 4 stars). 2 submissions from 2 submitters: Uncertain significance (1). 1 of the submissions does not count toward it. Last evaluated 2024-10-26.

Conditions:
Zellweger spectrum disorders (ZS). Also called: Zellweger Spectrum Disorder; Zellweger Spectrum; Zellweger syndrome; Zellweger Spectrum Disorder (ZSD). Identifiers: Orphanet 912, MedGen C0043459, MONDO:0019609.

Allele frequency attached by ClinVar (database versions not stated): ExAC 0.00001; gnomAD exomes 0.00001; gnomAD 0.00002 and 0.00003; TOPMed 0.00002.
gnomAD v4.1: 15 of 1,611,824 alleles (0.00093%); highest among the groups gnomAD compares: African/African-American, 0.008%; no homozygotes.

Submissions (2):

Labcorp Genetics (formerly Invitae), Labcorp
Classification: Uncertain significance for Zellweger spectrum disorders. Last evaluated: 2024-10-26. Review status: criteria provided, single submitter. Criteria: Invitae Variant Classification Sherloc (09022015). Collection method: clinical testing. Allele origin: germline.
Comment: This sequence change replaces arginine, which is basic and polar, with cysteine, which is neutral and slightly polar, at codon 182 of the PEX1 protein (p.Arg182Cys). This variant is present in population databases (rs771535312, gnomAD 0.006%). This variant has not been reported in the literature in individuals affected with PEX1-related conditions. ClinVar contains an entry for this variant (Variation ID: 1023864). Invitae Evidence Modeling of protein sequence and biophysical properties (such as structural, functional, and spatial information, amino acid conservation, physicochemical variation, residue mobility, and thermodynamic stability) has been performed for this missense variant. However, the output from this modeling did not meet the statistical confidence thresholds required to predict the impact of this variant on PEX1 protein function. In summary, the available evidence is currently insufficient to determine the role of this variant in disease. Therefore, it has been classified as a Variant of Uncertain Significance.

Natera, Inc.
Classification: Uncertain significance for Zellweger syndrome. Last evaluated: 2019-12-23. Review status: no assertion criteria provided. Collection method: clinical testing. Allele origin: germline. Not counted in ClinVar's aggregate classification.